The following is an entry in ClinVar:

NM_019066.5(MAGEL2):c.2705C>G (p.Thr902Arg)

Gene: MAGEL2 (MAGE family member L2; minus strand). Cytogenetic location: 15q11.2.
Variant type: single nucleotide variant.
Coding change: c.2705C>G on transcript NM_019066.5 (MANE Select); coding-DNA position 2705, C replaced by G.
Protein change: p.Thr902Arg; replaces threonine 902 with arginine.
Molecular consequence: missense variant.
Genome position (GRCh38, 1-based): chr15:23,645,038, G>C on the plus strand (C>G on the coding strand, the complement: MAGEL2 is on the minus strand). VCF-style: chr15-23645038-G-C. GRCh37 (hg19) VCF-style: chr15-23890185-G-C.
Other names: short protein forms T902R.
Identifiers: ClinVar variation 1981854 (VCV001981854.4), dbSNP rs373945272, ClinGen allele CA391330470.

ClinVar aggregate classification (germline): Uncertain significance (1 of 4 stars; one submission).

gnomAD v4.1: 7 of 1,613,850 alleles (0.00043%); highest among the groups gnomAD compares: African/African-American, 0.0013%; no homozygotes.

Submission:

Labcorp Genetics (formerly Invitae), Labcorp
Classification: Uncertain significance. Last evaluated: 2025-08-21. Review status: criteria provided, single submitter. Criteria: Invitae Variant Classification Sherloc (09022015). Collection method: clinical testing. Allele origin: germline.
Comment: This sequence change replaces threonine, which is neutral and polar, with arginine, which is basic and polar, at codon 902 of the MAGEL2 protein (p.Thr902Arg). This variant is present in population databases (no rsID available, gnomAD 0.01%). This variant has not been reported in the literature in individuals affected with MAGEL2-related conditions. ClinVar contains an entry for this variant (Variation ID: 1981854). Invitae Evidence Modeling of protein sequence and biophysical properties (such as structural, functional, and spatial information, amino acid conservation, physicochemical variation, residue mobility, and thermodynamic stability) indicates that this missense variant is not expected to disrupt MAGEL2 protein function with a negative predictive value of 80%. In summary, the available evidence is currently insufficient to determine the role of this variant in disease. Therefore, it has been classified as a Variant of Uncertain Significance.